The following is an entry in ClinVar:

NM_001267550.2(TTN):c.1742C>T (p.Pro581Leu)

Gene: TTN (titin; minus strand). Cytogenetic location: 2q31.2.
Variant type: single nucleotide variant.
Coding change: c.1742C>T on transcript NM_001267550.2 (MANE Select); coding-DNA position 1742, C replaced by T.
Protein change: p.Pro581Leu; replaces proline 581 with leucine.
Molecular consequence: missense variant. On other transcripts: intron variant (3).
Genome position (GRCh38, 1-based): chr2:178,790,766, G>A on the plus strand (C>T on the coding strand, the complement: TTN is on the minus strand). VCF-style: chr2-178790766-G-A. GRCh37 (hg19) VCF-style: chr2-179655493-G-A.
Other names: c.1742C>T, p.Pro581Leu (NM_133378.4, NM_001256850.1, NM_133379.5); c.1663-651C>T (NM_003319.4, NM_133437.4, NM_133432.3); short protein forms P581L.
Identifiers: ClinVar variation 166345 (VCV000166345.42), dbSNP rs199778910, ClinGen allele CA179396.

ClinVar aggregate classification (germline): Conflicting classifications of pathogenicity. Review status: criteria provided, conflicting classifications (1 of 4 stars). 13 submissions from 9 submitters: Uncertain significance (10); Likely benign (3). Last evaluated 2025-07-01.

Conditions:
TTN-related disorder. Also called: TTN-related disorders; TTN-related condition; TTN-related disease.
Dilated cardiomyopathy 1G (CMD1G). Identifiers: Orphanet 154, MedGen C1858763, MONDO:0011400, OMIM 604145.
Autosomal recessive limb-girdle muscular dystrophy type 2J (LGMDR10). Also called: Limb-girdle muscular dystrophy, type 2J; MUSCULAR DYSTROPHY, LIMB-GIRDLE, AUTOSOMAL RECESSIVE 10. Identifiers: Orphanet 140922, MedGen C1837342, MONDO:0012127, OMIM 608807.
Early-onset myopathy with fatal cardiomyopathy (CMYO5). Also called: CONGENITAL MYOPATHY 5 WITH CARDIOMYOPATHY; Salih Myopathy. Identifiers: Orphanet 289377, MedGen C2673677, MONDO:0012714, OMIM 611705. Disease mechanism: loss of function.
Tibial muscular dystrophy (TMD). Also called: UDD MYOPATHY; Tibial muscular dystrophy, tardive; Udd Distal Myopathy – Tibial Muscular Dystrophy. Identifiers: Orphanet 609, MedGen C1838244, MONDO:0010870, OMIM 600334.
Myopathy, myofibrillar, 9, with early respiratory failure (MFM9). Also called: Hereditary myopathy with early respiratory failure; MYOPATHY, PROXIMAL, WITH EARLY RESPIRATORY MUSCLE INVOLVEMENT; EDSTROM MYOPATHY; Myopathy, distal, with early respiratory failure, autosomal dominant. Identifiers: Orphanet 178464, Orphanet 34521, MedGen C1863599, MONDO:0011362, OMIM 603689.

Allele frequency attached by ClinVar (database versions not stated): ESP Exome Variant Server 0.00008; gnomAD exomes 0.00008 and 0.00022; ExAC 0.00010; gnomAD 0.00013; TOPMed 0.00015.
gnomAD v4.1: 335 of 1,614,068 alleles (0.021%); highest among the groups gnomAD compares: East Asian, 0.049%; no homozygotes.

Submissions (13):

PreventionGenetics, part of Exact Sciences
Classification: Likely benign for TTN-related condition. Last evaluated: 2025-07-01. Review status: criteria provided, single submitter. Criteria: ACMG Guidelines, 2015. Collection method: clinical testing. Allele origin: germline.
Comment: This variant is classified as likely benign based on ACMG/AMP sequence variant interpretation guidelines (Richards et al. 2015 PMID: 25741868, with internal and published modifications).

Molecular Diagnostic Laboratory for Inherited Cardiovascular Disease, Montreal Heart Institute
Classification: Likely benign. Last evaluated: 2025-04-09. Review status: criteria provided, single submitter. Criteria: ACMG Guidelines, 2015. Collection method: clinical testing. Allele origin: germline. Affected: no.
Comment: BS1;BP1

Revvity Omics, Revvity
Classification: Uncertain significance. Last evaluated: 2024-01-16. Review status: criteria provided, single submitter. Criteria: ACMG Guidelines, 2015. Collection method: clinical testing. Allele origin: germline.

CeGaT Center for Human Genetics Tuebingen
Classification: Uncertain significance. Last evaluated: 2023-12-01. Review status: criteria provided, single submitter. Criteria: CeGaT Center For Human Genetics Tuebingen Variant Classification Criteria Version 2. Collection method: clinical testing. Allele origin: germline. Affected: yes. Observed: 1 variant allele.
Comment: TTN: PM2, BP4

Women's Health and Genetics/Laboratory Corporation of America, LabCorp
Classification: Uncertain significance. Last evaluated: 2022-07-18. Review status: criteria provided, single submitter. Criteria: LabCorp Variant Classification Summary - May 2015. Collection method: clinical testing. Allele origin: germline.

Illumina Laboratory Services, Illumina
Classification: Uncertain significance for Dilated cardiomyopathy 1G. Last evaluated: 2018-01-15. Review status: criteria provided, single submitter. Criteria: ICSL Variant Classification Criteria 13 December 2019. Collection method: clinical testing. Allele origin: germline.

Illumina Laboratory Services, Illumina
Classification: Uncertain significance for Tibial muscular dystrophy. Last evaluated: 2018-01-15. Review status: criteria provided, single submitter. Criteria: ICSL Variant Classification Criteria 13 December 2019. Collection method: clinical testing. Allele origin: germline.

Illumina Laboratory Services, Illumina
Classification: Uncertain significance for Myopathy, myofibrillar, 9, with early respiratory failure. Last evaluated: 2018-01-15. Review status: criteria provided, single submitter. Criteria: ICSL Variant Classification Criteria 13 December 2019. Collection method: clinical testing. Allele origin: germline.

Illumina Laboratory Services, Illumina
Classification: Uncertain significance for Autosomal recessive limb-girdle muscular dystrophy type 2J. Last evaluated: 2018-01-15. Review status: criteria provided, single submitter. Criteria: ICSL Variant Classification Criteria 13 December 2019. Collection method: clinical testing. Allele origin: germline.

Illumina Laboratory Services, Illumina
Classification: Uncertain significance for Early-onset myopathy with fatal cardiomyopathy. Last evaluated: 2018-01-15. Review status: criteria provided, single submitter. Criteria: ICSL Variant Classification Criteria 13 December 2019. Collection method: clinical testing. Allele origin: germline.

Labcorp Genetics (formerly Invitae), Labcorp
Classification: Uncertain significance for Dilated cardiomyopathy 1G; Autosomal recessive limb-girdle muscular dystrophy type 2J. Last evaluated: 2017-11-14. Review status: criteria provided, single submitter. Criteria: Invitae Variant Classification Sherloc (09022015). Collection method: clinical testing. Allele origin: germline.

Laboratory for Molecular Medicine, Mass General Brigham Personalized Medicine
Classification: Likely benign. Last evaluated: 2017-07-21. Review status: criteria provided, single submitter. Criteria: LMM Criteria. Collection method: clinical testing. Allele origin: germline. Observed: 2 variant alleles.
Comment: p.Pro581Leu in exon 11 of TTN: This variant is not expected to have clinical sig nificance due to a lack of conservation across species, including mammals. Of no te, multiple mammals have a leucine (Leu) at this position despite high nearby a mino acid conservation. In addition, computational prediction tools do not sugge st a high likelihood of impact to the protein. This variant has also been identi fied in 20/126608 of European chromosomes by the Genome Aggregation Database (gn omAD; dbSNP rs199778910).

Eurofins Ntd Llc (ga)
Classification: Uncertain significance. Last evaluated: 2016-12-30. Review status: criteria provided, single submitter. Criteria: EGL Classification Definitions 2015. Collection method: clinical testing. Allele origin: germline. Observed: 3 variant alleles, 3 heterozygotes.